The following is an entry in ClinVar:

ClinVar aggregate classification (germline): Uncertain significance. Review status: criteria provided, multiple submitters, no conflicts (2 of 4 stars). 3 submissions from 3 submitters: Uncertain significance (3). Last evaluated 2026-04-03.

Conditions:
Hereditary cancer-predisposing syndrome. Also called: Hereditary Cancer Syndrome; Tumor predisposition; Hereditary neoplastic syndrome; Neoplastic Syndromes, Hereditary. Identifiers: Orphanet 140162, MedGen C0027672, MeSH D009386, MONDO:0015356.
Hereditary breast ovarian cancer syndrome. Also called: Hereditary breast and ovarian cancer syndrome; Hereditary breast and/or ovarian cancer syndrome; Hereditary breast and ovarian cancer syndrome (HBOC); Hereditary breast and ovarian cancer; Breast and ovarian cancer; BRCA1- and BRCA2-Associated Hereditary Breast and Ovarian Cancer. Identifiers: Orphanet 145, MedGen C0677776, MeSH D061325, MONDO:0003582. Disease mechanism: loss of function.

Allele frequency attached by ClinVar (database versions not stated): ExAC 0.00001; gnomAD exomes below 0.00001.
gnomAD v4.1: 2 of 1,611,408 alleles (0.00012%); highest among the groups gnomAD compares: South Asian, 0.0011%; no homozygotes.

Submissions (3):

Ambry Genetics
Classification: Uncertain significance for Hereditary cancer-predisposing syndrome. Last evaluated: 2026-04-03. Review status: criteria provided, single submitter. Criteria: Ambry Variant Classification Scheme 2023. Collection method: clinical testing. Allele origin: germline.
Comment: The p.D1390N variant (also known as c.4168G>A), located in coding exon 10 of the BRCA1 gene, results from a G to A substitution at nucleotide position 4168. The aspartic acid at codon 1390 is replaced by asparagine, an amino acid with highly similar properties. This amino acid position is not well conserved in available vertebrate species. In addition, the in silico prediction for this alteration is inconclusive. Based on the available evidence, the clinical significance of this variant remains unclear.

Labcorp Genetics (formerly Invitae), Labcorp
Classification: Uncertain significance for Hereditary breast ovarian cancer syndrome. Last evaluated: 2024-01-19. Review status: criteria provided, single submitter. Criteria: Invitae Variant Classification Sherloc (09022015). Collection method: clinical testing. Allele origin: germline.
Comment: This sequence change replaces aspartic acid, which is acidic and polar, with asparagine, which is neutral and polar, at codon 1390 of the BRCA1 protein (p.Asp1390Asn). The frequency data for this variant in the population databases is considered unreliable, as metrics indicate poor data quality at this position in the gnomAD database. This missense change has been observed in individual(s) with breast and/or ovarian cancer (PMID: 29470806). ClinVar contains an entry for this variant (Variation ID: 462635). Advanced modeling of protein sequence and biophysical properties (such as structural, functional, and spatial information, amino acid conservation, physicochemical variation, residue mobility, and thermodynamic stability) performed at Invitae indicates that this missense variant is not expected to disrupt BRCA1 protein function with a negative predictive value of 95%. In summary, the available evidence is currently insufficient to determine the role of this variant in disease. Therefore, it has been classified as a Variant of Uncertain Significance.

Quest Diagnostics Nichols Institute San Juan Capistrano
Classification: Uncertain significance. Last evaluated: 2018-04-21. Review status: criteria provided, single submitter. Criteria: Quest Diagnostics criteria. Collection method: clinical testing. Allele origin: germline.

Literature cited by the submitters: PubMed 29470806 (cited by Labcorp Genetics (formerly Invitae), Labcorp).

NM_007294.4(BRCA1):c.4168G>A (p.Asp1390Asn)

Gene: BRCA1 (BRCA1 DNA repair associated; minus strand). Cytogenetic location: 17q21.31.
Variant type: single nucleotide variant.
Coding change: c.4168G>A on transcript NM_007294.4 (MANE Select); coding-DNA position 4168, G replaced by A.
Protein change: p.Asp1390Asn; replaces aspartic acid 1390 with asparagine.
Molecular consequence: missense variant. On other transcripts: non-coding transcript variant (1).
Genome position (GRCh38, 1-based): chr17:43,090,961, C>T on the plus strand (G>A on the coding strand, the complement: BRCA1 is on the minus strand). VCF-style: chr17-43090961-C-T. GRCh37 (hg19) VCF-style: chr17-41242978-C-T.
Other names: c.718G>A, p.Asp240Asn (NM_001408452.1, NM_001408453.1, NM_001408454.1 and 11 more transcripts); c.715G>A, p.Asp239Asn (NM_001408462.1, NM_001408463.1, NM_001408464.1 and 3 more transcripts); c.859G>A, p.Asp287Asn (NM_001408472.1, NM_007298.4, NM_007299.4 and 18 more transcripts); c.856G>A, p.Asp286Asn (NM_001408473.1, NM_001407984.1, NM_001407985.1 and 13 more transcripts); c.658G>A, p.Asp220Asn (NM_001408474.1, NM_001408476.1); c.655G>A, p.Asp219Asn (NM_001408475.1); c.649G>A, p.Asp217Asn (NM_001408478.1, NM_001408479.1, NM_001408480.1 and 9 more transcripts); c.646G>A, p.Asp216Asn (NM_001408490.1, NM_001408491.1, NM_001408493.1); and 41 more; short protein forms D1390N, D1343N, D287N, D1279N, D1301N, D1322N, D1323N, D1348N.
Identifiers: ClinVar variation 462635 (VCV000462635.11), dbSNP rs752300203, ClinGen allele CA059498.
Genomic context (GRCh38, chr17:43,090,961, plus strand): 5'-GACACCACACACACGCATGTGCACACACACACACGCTTTTTACCTGAGTGGTTAAAATGT[C>T]ACTCTGAGAGGATAGCCCTGAGCAGTCTTCAGAGACGCTTGTTTCACTCTCACACCCAGA-3'
Protein context (NP_009225.1, residues 1380-1400): EDCSGLSSQS[Asp1390Asn]ILTTQQRDTM